The following is an entry in ClinVar:

NM_205836.3(FBXO38):c.3500G>A (p.Arg1167Gln)

Gene: FBXO38 (F-box protein 38; plus strand). Cytogenetic location: 5q32.
Variant type: single nucleotide variant.
Coding change: c.3500G>A on transcript NM_205836.3 (MANE Select); coding-DNA position 3500, G replaced by A.
Protein change: p.Arg1167Gln; replaces arginine 1167 with glutamine.
Molecular consequence: missense variant.
Genome position (GRCh38, 1-based): chr5:148,442,080, G>A. VCF-style: chr5-148442080-G-A. GRCh37 (hg19) VCF-style: chr5-147821643-G-A.
Other names: c.2765G>A, p.Arg922Gln (NM_001271723.2); c.3275G>A, p.Arg1092Gln (NM_030793.5); short protein forms R1092Q, R1167Q, R922Q.
Identifiers: ClinVar variation 3619964 (VCV003619964.2).

ClinVar aggregate classification (germline): Uncertain significance (1 of 4 stars; one submission).

Conditions:
Distal hereditary motor neuropathy type 2. Identifiers: Orphanet 139525, MedGen C3711384, MeSH C580044, MONDO:0015352.

Submission:

Labcorp Genetics (formerly Invitae), Labcorp
Classification: Uncertain significance for Distal hereditary motor neuropathy type 2. Last evaluated: 2024-07-08. Review status: criteria provided, single submitter. Criteria: Invitae Variant Classification Sherloc (09022015). Collection method: clinical testing. Allele origin: germline.
Comment: This sequence change replaces arginine, which is basic and polar, with glutamine, which is neutral and polar, at codon 1092 of the FBXO38 protein (p.Arg1092Gln). This variant is present in population databases (rs757772451, gnomAD 0.006%). This variant has not been reported in the literature in individuals affected with FBXO38-related conditions. An algorithm developed to predict the effect of missense changes on protein structure and function (PolyPhen-2) suggests that this variant is likely to be disruptive. In summary, the available evidence is currently insufficient to determine the role of this variant in disease. Therefore, it has been classified as a Variant of Uncertain Significance.